The following is an entry in ClinVar:

NM_014991.6(WDFY3):c.9007_9014del (p.His3003fs)

Gene: WDFY3 (WD repeat and FYVE domain containing 3; minus strand). Cytogenetic location: 4q21.23.
Variant type: Deletion.
Coding change: c.9007_9014del on transcript NM_014991.6 (MANE Select); coding-DNA positions 9007 to 9014, 8 bases deleted (CATCATCT; older notation c.9007_9014delCATCATCT).
Protein change: p.His3003fs; shifts the reading frame from histidine 3003.
Molecular consequence: frameshift variant.
Genome position (GRCh38, 1-based): chr4:84,692,920-84,692,927, AGATGATG deleted on the plus strand (CATCATCT on the coding strand, the reverse complement: WDFY3 is on the minus strand); deleting any 8 consecutive bases within chr4:84,692,920-84,692,928 gives the same sequence; the c. name uses the placement nearest the transcript's 3' end. VCF-style (leftmost placement, unchanged base first): chr4-84692919-TAGATGATG-T. GRCh37 (hg19) VCF-style: chr4-85614072-TAGATGATG-T.
Other names: short protein forms H3003fs.
Identifiers: ClinVar variation 4813735 (VCV004813735.1).

ClinVar aggregate classification (germline): Pathogenic (1 of 4 stars; one submission).

Conditions:
Autosomal dominant WDFY3-related disorders.

Submission:

Variantyx, Inc.
Classification: Pathogenic for Autosomal dominant WDFY3-related disorders. Last evaluated: 2025-05-16. Review status: criteria provided, single submitter. Criteria: Variantyx Assertion Criteria 2022. Collection method: clinical testing. Allele origin: de novo. Inheritance: Autosomal dominant inheritance. Affected: yes.
Comment: This is a frameshift variant in the WDFY3 gene. Pathogenic variants in this gene have been associated with autosomal dominant WDFY3-related neurodevelopmental disorder. This variant introduces a premature termination codon in exon 59 out of 68 and is expected to result in loss of function, which is a known disease mechanism for WDFY3 in this disorder (PMID: 31327001, 25198012) (PVS1). This variant is absent from control populations (PM2) and has not been reported in individuals with WDFY3-related disorders in the databases available for review. Based on the current evidence, this variant is classified as pathogenic for autosomal dominant WDFY3-related neurodevelopmental disorder.

Literature cited by the submitters: PubMed 31327001; PubMed 25198012.